The following is an entry in ClinVar:

NM_004380.3(CREBBP):c.5357G>C (p.Arg1786Pro)

Gene: CREBBP (CREB binding lysine acetyltransferase; minus strand). Cytogenetic location: 16p13.3.
Variant type: single nucleotide variant.
Coding change: c.5357G>C on transcript NM_004380.3 (MANE Select); coding-DNA position 5357, G replaced by C.
Protein change: p.Arg1786Pro; replaces arginine 1786 with proline.
Molecular consequence: missense variant.
Genome position (GRCh38, 1-based): chr16:3,729,690, C>G on the plus strand (G>C on the coding strand, the complement: CREBBP is on the minus strand). VCF-style: chr16-3729690-C-G. GRCh37 (hg19) VCF-style: chr16-3779691-C-G.
Other names: c.5243G>C, p.Arg1748Pro (NM_001079846.1); short protein forms R1748P, R1786P.
Identifiers: ClinVar variation 2630658 (VCV002630658.1), dbSNP rs988251457, ClinGen allele CA394557061.

ClinVar aggregate classification (germline): Likely pathogenic (1 of 4 stars; one submission).

Conditions:
CREBBP-related disorder. Also called: CREBBP-related condition; CREBBP-related disorders.

Submission:

PreventionGenetics, part of Exact Sciences
Classification: Likely pathogenic for CREBBP-related condition. Last evaluated: 2023-10-03. Review status: criteria provided, single submitter. Criteria: ACMG Guidelines, 2015. Collection method: clinical testing. Allele origin: germline.
Comment: The CREBBP c.5357G>C variant is predicted to result in the amino acid substitution p.Arg1786Pro. This variant is found within exon 31 and was reported as de novo in an individual with developmental delay and variable facial features (Patient 3 in Menke et al. 2016. PubMed ID: 27311832). This variant has not been reported in a large population database, indicating this variant is rare. In addition, another variant impacting the same amino acid (p.Arg1786His) has also been reported as de novo in a patient with Menke-Hennekam syndrome (Patient #1 in Banka et al. 2019. PubMed ID: 30892814). Based on this evidence, we interpret the c.5357G>C (p.Arg1786Pro) variant as likely pathogenic.